The following is an entry in ClinVar:

NM_003458.4(BSN):c.1784C>T (p.Ala595Val)

Gene: BSN (bassoon presynaptic cytomatrix protein; plus strand). Cytogenetic location: 3p21.31.
Variant type: single nucleotide variant.
Coding change: c.1784C>T on transcript NM_003458.4 (MANE Select); coding-DNA position 1784, C replaced by T.
Protein change: p.Ala595Val; replaces alanine 595 with valine.
Molecular consequence: missense variant.
Genome position (GRCh38, 1-based): chr3:49,650,877, C>T. VCF-style: chr3-49650877-C-T. GRCh37 (hg19) VCF-style: chr3-49688310-C-T.
Other names: short protein forms A595V.
Identifiers: ClinVar variation 5016846 (VCV005016846.1).

ClinVar aggregate classification (germline): Uncertain significance (1 of 4 stars; one submission).

Submission:

GeneDx
Classification: Uncertain significance. Last evaluated: 2026-03-24. Review status: criteria provided, single submitter. Criteria: GeneDx Variant Classification Process June 2021. Collection method: clinical testing. Allele origin: germline.
Comment: Not observed at significant frequency in large population cohorts (gnomAD); In silico analysis suggests that this missense variant does not alter protein structure/function; Has not been previously published as pathogenic or benign to our knowledge